The following is an entry in ClinVar:

ClinVar aggregate classification (germline): Benign/Likely benign. Review status: criteria provided, multiple submitters, no conflicts (2 of 4 stars). 2 submissions from 2 submitters: Benign (1); Likely benign (1). Last evaluated 2024-05-22.

Conditions:
Ataxia-telangiectasia syndrome (AT). Also called: Ataxia-telangiectasia, complementation group D; Ataxia-telangiectasia, complementation group E; Cerebello-oculocutaneous telangiectasia; Immunodeficiency with ataxia telangiectasia; Ataxia telangiectasia (A-T); Ataxia-telangiectasia. Identifiers: Orphanet 100, MedGen C0004135, MONDO:0008840, OMIM 208900.
Familial cancer of breast. Also called: BREAST CANCER, FAMILIAL; Hereditary breast cancer; hereditary breast carcinoma. Identifiers: Orphanet 227535, MedGen C0346153, MONDO:0016419, OMIM 114480. Disease mechanism: loss of function.

Submissions (2):

Myriad Genetics, Inc.
Classification: Benign for Familial cancer of breast. Last evaluated: 2024-05-22. Review status: criteria provided, single submitter. Criteria: Myriad Autosomal Dominant, Autosomal Recessive and X-Linked Classification Criteria (2023). Collection method: clinical testing. Allele origin: unknown.
Comment: This variant is considered benign. This variant is a silent/synonymous amino acid change and it is not expected to impact splicing.

Labcorp Genetics (formerly Invitae), Labcorp
Classification: Likely benign for Ataxia-telangiectasia syndrome. Last evaluated: 2022-03-08. Review status: criteria provided, single submitter. Criteria: Invitae Variant Classification Sherloc (09022015). Collection method: clinical testing. Allele origin: germline.

NM_000051.4(ATM):c.5205C>A (p.Thr1735=)

Gene: ATM (ATM serine/threonine kinase; plus strand). Cytogenetic location: 11q22.3.
Variant type: single nucleotide variant.
Coding change: c.5205C>A on transcript NM_000051.4 (MANE Select); coding-DNA position 5205, C replaced by A.
Protein change: p.Thr1735=; no amino-acid change (threonine 1735 retained).
Molecular consequence: synonymous variant.
Genome position (GRCh38, 1-based): chr11:108,301,675, C>A. VCF-style: chr11-108301675-C-A. GRCh37 (hg19) VCF-style: chr11-108172402-C-A.
Other names: c.5205C>A, p.Thr1735= (NM_001351834.2).
Identifiers: ClinVar variation 1087934 (VCV001087934.11), dbSNP rs1060504283, ClinGen allele CA476674769.